The following is an entry in ClinVar:

ClinVar aggregate classification (germline): Uncertain significance. Review status: criteria provided, multiple submitters, no conflicts (2 of 4 stars). 4 submissions from 3 submitters: Uncertain significance (4). Last evaluated 2023-02-08.

Conditions:
Seckel syndrome 1 (SCKL1). Also called: MICROCEPHALIC PRIMORDIAL DWARFISM I. Identifiers: Orphanet 808, MedGen C4551474, MONDO:0008869, OMIM 210600.
Familial cutaneous telangiectasia and oropharyngeal predisposition cancer syndrome. Identifiers: Orphanet 313846, MedGen C3281203, MONDO:0013806, OMIM 614564.
Inborn genetic diseases. Identifiers: MedGen C0950123, MeSH D030342.

Allele frequency attached by ClinVar (database versions not stated): gnomAD exomes 0.00001; ExAC 0.00002; gnomAD 0.00002; TOPMed 0.00003; ESP Exome Variant Server 0.00023.
gnomAD v4.1: 4 of 1,606,908 alleles (0.00025%); highest among the groups gnomAD compares: African/African-American, 0.004%; no homozygotes.

Submissions (4):

Genome-Nilou Lab
Classification: Uncertain significance for Seckel syndrome 1. Last evaluated: 2023-02-08. Review status: criteria provided, single submitter. Criteria: ACMG Guidelines, 2015. Collection method: clinical testing. Allele origin: germline.

Genome-Nilou Lab
Classification: Uncertain significance for Familial cutaneous telangiectasia and oropharyngeal predisposition cancer syndrome. Last evaluated: 2023-02-08. Review status: criteria provided, single submitter. Criteria: ACMG Guidelines, 2015. Collection method: clinical testing. Allele origin: germline.

Ambry Genetics
Classification: Uncertain significance for Inborn genetic diseases. Last evaluated: 2021-09-30. Review status: criteria provided, single submitter. Criteria: Ambry Variant Classification Scheme 2023. Collection method: clinical testing. Allele origin: germline.
Comment: The p.N1459S variant (also known as c.4376A>G), located in coding exon 24 of the ATR gene, results from an A to G substitution at nucleotide position 4376. The asparagine at codon 1459 is replaced by serine, an amino acid with highly similar properties. This amino acid position is conserved. In addition, this alteration is predicted to be tolerated by in silico analysis. Since supporting evidence is limited at this time, the clinical significance of this alteration remains unclear.

GeneDx
Classification: Uncertain significance. Last evaluated: 2016-08-11. Review status: criteria provided, single submitter. Criteria: GeneDx Variant Classification (06012015). Collection method: clinical testing. Allele origin: germline. Affected: yes.
Comment: A variant of uncertain significance has been identified in the ATR gene. The N1459S variant has not been published as a pathogenic variant, nor has it been reported as a benign variant to our knowledge. The N1459S variant was not observed with any significant frequency in approximately 6,500 individuals of European and African American ancestry in the NHLBI Exome Sequencing Project. This substitution occurs at a position that is conserved in mammals. However, the N1459S variant is a conservative amino acid substitution, which is not likely to impact secondary protein structure as these residues share similar properties. In silico analysis is inconsistent in its predictions as to whether or not the variant is damaging to the protein structure/function. Therefore, based on the currently available information, it is unclear whether this variant is a pathogenic variant or a rare benign variant

NM_001184.4(ATR):c.4376A>G (p.Asn1459Ser)

Gene: ATR (ATR checkpoint kinase; minus strand). Cytogenetic location: 3q23.
Variant type: single nucleotide variant.
Coding change: c.4376A>G on transcript NM_001184.4 (MANE Select); coding-DNA position 4376, A replaced by G.
Protein change: p.Asn1459Ser; replaces asparagine 1459 with serine.
Molecular consequence: missense variant.
Genome position (GRCh38, 1-based): chr3:142,519,675, T>C on the plus strand (A>G on the coding strand, the complement: ATR is on the minus strand). VCF-style: chr3-142519675-T-C. GRCh37 (hg19) VCF-style: chr3-142238517-T-C.
Other names: c.4184A>G, p.Asn1395Ser (NM_001354579.2); short protein forms N1459S, N1395S.
Identifiers: ClinVar variation 388203 (VCV000388203.5), dbSNP rs144591613, ClinGen allele CA2649872.